The following is an entry in ClinVar:

NM_007118.4(TRIO):c.890C>T (p.Ser297Leu)

Gene: TRIO (trio Rho guanine nucleotide exchange factor; plus strand). Cytogenetic location: 5p15.2.
Variant type: single nucleotide variant.
Coding change: c.890C>T on transcript NM_007118.4 (MANE Select); coding-DNA position 890, C replaced by T.
Protein change: p.Ser297Leu; replaces serine 297 with leucine.
Molecular consequence: missense variant. On other transcripts: non-coding transcript variant (1).
Genome position (GRCh38, 1-based): chr5:14,291,065, C>T. VCF-style: chr5-14291065-C-T. GRCh37 (hg19) VCF-style: chr5-14291174-C-T.
Other names: c.890C>T (NM_007118.3); short protein forms S297L.
Identifiers: ClinVar variation 2295501 (VCV002295501.3), dbSNP rs1158763615, ClinGen allele CA359209820.

ClinVar aggregate classification (germline): Uncertain significance. Review status: criteria provided, multiple submitters, no conflicts (2 of 4 stars). 2 submissions from 2 submitters: Uncertain significance (2). Last evaluated 2023-08-10.

Conditions:
Inborn genetic diseases. Identifiers: MedGen C0950123, MeSH D030342.
TRIO-related disorder. Also called: TRIO-related disorders; TRIO-related condition.

Allele frequency attached by ClinVar (database versions not stated): gnomAD exomes below 0.00001; TOPMed 0.00001; gnomAD 0.00002.
gnomAD v4.1: 6 of 1,614,108 alleles (0.00037%); highest among the groups gnomAD compares: African/African-American, 0.0067%; no homozygotes.

Submissions (2):

PreventionGenetics, part of Exact Sciences
Classification: Uncertain significance for TRIO-related condition. Last evaluated: 2023-08-10. Review status: criteria provided, single submitter. Criteria: ACMG Guidelines, 2015. Collection method: clinical testing. Allele origin: germline.
Comment: The TRIO c.890C>T variant is predicted to result in the amino acid substitution p.Ser297Leu. To our knowledge, this variant has not been reported in the literature. This variant is reported in 0.0062% of alleles in individuals of African descent in gnomAD. At this time, the clinical significance of this variant is uncertain due to the absence of conclusive functional and genetic evidence.

Ambry Genetics
Classification: Uncertain significance for Inborn genetic diseases. Last evaluated: 2021-01-08. Review status: criteria provided, single submitter. Criteria: Ambry Variant Classification Scheme 2023. Collection method: clinical testing. Allele origin: germline.
Comment: The c.890C>T (p.S297L) alteration is located in exon 5 (coding exon 5) of the TRIO gene. This alteration results from a C to T substitution at nucleotide position 890, causing the serine (S) at amino acid position 297 to be replaced by a leucine (L). The p.S297L alteration is predicted to be tolerated by in silico analysis. Based on insufficient or conflicting evidence, the clinical significance of this alteration remains unclear.